The following is an entry in ClinVar:

NM_004425.4(ECM1):c.223+80G>A

Gene: ECM1 (extracellular matrix protein 1; plus strand). Cytogenetic location: 1q21.2.
Variant type: single nucleotide variant.
Coding change: c.223+80G>A on transcript NM_004425.4 (MANE Select); 80 bases into the intron after coding-DNA position 223, G replaced by A.
Molecular consequence: intron variant. On other transcripts: synonymous variant (1).
Genome position (GRCh38, 1-based): chr1:150,509,842, G>A. VCF-style: chr1-150509842-G-A. GRCh37 (hg19) VCF-style: chr1-150482318-G-A.
Other names: c.225G>A, p.Lys75= (NM_001202858.2); c.223+80G>A (NM_022664.3); c.225G>A (NM_001202858.1).
Identifiers: ClinVar variation 4909888 (VCV004909888.2).

ClinVar aggregate classification (germline): Likely benign. Review status: criteria provided, multiple submitters, no conflicts (2 of 4 stars). 2 submissions from 2 submitters: Likely benign (2). Last evaluated 2024-11-19.

Conditions:
ECM1-related disorder. Also called: ECM1-related condition.

gnomAD v4.1: 16 of 1,613,850 alleles (0.00099%); highest among the groups gnomAD compares: Middle Eastern, 0.049%; no homozygotes.

Submissions (2):

PreventionGenetics, part of Exact Sciences
Classification: Likely benign for ECM1-related condition. Last evaluated: 2024-11-19. Review status: criteria provided, single submitter. Criteria: ACMG Guidelines, 2015. Collection method: clinical testing. Allele origin: germline.
Comment: This variant is classified as likely benign based on ACMG/AMP sequence variant interpretation guidelines (Richards et al. 2015 PMID: 25741868, with internal and published modifications).

Blueprint Genetics
Classification: Likely benign. Last evaluated: 2022-11-11. Review status: criteria provided, single submitter. Criteria: ACMG Guidelines, 2015. Collection method: clinical testing. Allele origin: germline.